The following is an entry in ClinVar:

ClinVar aggregate classification (germline): Likely pathogenic. Review status: reviewed by expert panel (3 of 4 stars). 7 submissions from 7 submitters: Likely pathogenic (1). 6 of the submissions do not count toward it. Last evaluated 2026-05-20.

Conditions:
Inborn genetic diseases. Identifiers: MedGen C0950123, MeSH D030342.
Ornithine carbamoyltransferase deficiency (OTCD). Also called: Ornithine Carbamoyltransferase Deficiency Disease; ORNITHINE TRANSCARBAMYLASE DEFICIENCY; OTC DEFICIENCY; ORNITHINE TRANSCARBAMYLASE DEFICIENCY, HYPERAMMONEMIA DUE TO. Identifiers: Orphanet 664, MedGen C0268542, MONDO:0010703, OMIM 311250.

Submissions (7):

Clingen Urea Cycle Disorders Variant Curation Expert Panel, ClinGen
Classification: Likely pathogenic for Ornithine carbamoyltransferase deficiency. Last evaluated: 2026-05-20. Review status: reviewed by expert panel. Criteria: ClinGen UreaCycles ACMG Specifications OTC V1.0. Collection method: curation. Allele origin: germline. Inheritance: X-linked inheritance.
Comment: The NM_000531.6:c.903A>T (p.Leu310Phe) variant in OTC affects a base pair that is highly conserved in vertebrates and is absent from gnomAD v4.1.0 (PM2_Supporting). The computational predictor REVEL gives a SCORE of 0.86, which is between 0.773 and 0.932, evidence that correlates with Moderate impact to OTC function (PP3_Moderate). This variant has been reported in two additional male probands observed with late onset OTC deficiency and hyperammonemia. (PS4_Moderate; PMID: 22340867, 35949797). Growth assay in yeast showed 0.029of wild-type OTC growth activity, indicating that this variant impacts protein function (PMID: 37146589, <50% - PS3_Moderate). In summary, this variant meets criteria to be classified as a Likely Pathogenic variant for OTC. OTC-specific ACMG/AMP criteria applied (OTC specifications version 1.0.0): PS4_Moderate, PS3_Moderate, PM2_Supporting, PP3_Moderate, PP4_Moderate.

Ambry Genetics
Classification: Pathogenic for Inborn genetic diseases. Last evaluated: 2025-12-04. Review status: criteria provided, single submitter. Criteria: Ambry Variant Classification Scheme 2023. Collection method: clinical testing. Allele origin: germline. Not counted in ClinVar's aggregate classification.
Comment: The c.903A>T (p.L301F) alteration is located in exon 9 (coding exon 9) of the OTC gene. This alteration results from an A to T substitution at nucleotide position 903, causing the leucine (L) at amino acid position 301 to be replaced by a phenylalanine (F). This variant was not reported in population-based cohorts in the Genome Aggregation Database (gnomAD). This variant was reported in individual(s) with features consistent with ornithine transcarbamylase deficiency (Lung, 2022; Morel, 2012; Climent, 2002; Anderson, 2024). This amino acid position is highly conserved in available vertebrate species. In an assay testing OTC function, this variant showed a functionally abnormal result (Lo, 2023). This alteration is predicted to be deleterious by in silico analysis. Based on the available evidence, this alteration is classified as pathogenic.

Women's Health and Genetics/Laboratory Corporation of America, LabCorp
Classification: Pathogenic for Ornithine carbamoyltransferase deficiency. Last evaluated: 2023-09-20. Review status: criteria provided, single submitter. Criteria: LabCorp Variant Classification Summary - May 2015. Collection method: clinical testing. Allele origin: germline. Not counted in ClinVar's aggregate classification.
Comment: Variant summary: OTC c.903A>T (p.Leu301Phe) results in a non-conservative amino acid change located in the aspartate/ornithine carbamoyltransferase, Asp/Orn-binding domain (IPR006131) of the encoded protein sequence. Five of five in-silico tools predict a damaging effect of the variant on protein function. The variant was absent in 183317 control chromosomes (gnomAD and publication data). c.903A>T has been reported in the literature in hemizygous individuals affected with Ornithine Transcarbamylase Deficiency (e.g. Climent_2002, Morel_2012, Lung_2022). In addition, at least one publication reports the residual OTC activity in the liver of a hemizygous patient as 3% of normal activity (e.g. Climent_2002). These data indicate that the variant is likely associated with disease. The following publications have been ascertained in the context of this evaluation (PMID: 11793483, 35949797, 28324312, 22340867, 34440436). Two submitters have cited clinical-significance assessments for this variant to ClinVar after 2014. Both submitters classified the variant as pathogenic/likely pathogenic. Based on the evidence outlined above, the variant was classified as pathogenic.

Baylor Genetics
Classification: Likely pathogenic for Ornithine carbamoyltransferase deficiency. Last evaluated: 2023-03-24. Review status: criteria provided, single submitter. Criteria: ACMG Guidelines, 2015. Collection method: clinical testing. Allele origin: unknown. Not counted in ClinVar's aggregate classification.

Labcorp Genetics (formerly Invitae), Labcorp
Classification: Pathogenic for Ornithine carbamoyltransferase deficiency. Last evaluated: 2022-12-18. Review status: criteria provided, single submitter. Criteria: Invitae Variant Classification Sherloc (09022015). Collection method: clinical testing. Allele origin: germline. Not counted in ClinVar's aggregate classification.
Comment: Advanced modeling of protein sequence and biophysical properties (such as structural, functional, and spatial information, amino acid conservation, physicochemical variation, residue mobility, and thermodynamic stability) performed at Invitae indicates that this missense variant is expected to disrupt OTC protein function. ClinVar contains an entry for this variant (Variation ID: 97350). This missense change has been observed in individual(s) with ornithine transcarbamylase deficiency (PMID: 11793483, 22340867; Invitae). This variant is not present in population databases (gnomAD no frequency). This sequence change replaces leucine, which is neutral and non-polar, with phenylalanine, which is neutral and non-polar, at codon 301 of the OTC protein (p.Leu301Phe). For these reasons, this variant has been classified as Pathogenic. This variant disrupts the p.Leu301 amino acid residue in OTC. Other variant(s) that disrupt this residue have been observed in individuals with OTC-related conditions (PMID: 26059767), which suggests that this may be a clinically significant amino acid residue. Algorithms developed to predict the effect of sequence changes on RNA splicing suggest that this variant may disrupt the consensus splice site.

ARUP Laboratories, Molecular Genetics and Genomics, ARUP Laboratories
Classification: Likely pathogenic for Ornithine carbamoyltransferase deficiency. Last evaluated: 2021-06-15. Review status: criteria provided, single submitter. Criteria: ARUP Molecular Germline Variant Investigation Process 2021. Collection method: clinical testing. Allele origin: germline. Not counted in ClinVar's aggregate classification.
Comment: The OTC c.903A>T; p.Leu301Phe variant (rs72558462) is reported in the literature in multiple individuals affected with ornithine transcarbamylase deficiency (Climent 2002, Morel 2012). Functional analyses of the variant protein show residual liver OTC activity of 3% (Capistrano-Estrada 1994, Climent 2002). This variant is also reported in ClinVar (Variation ID: 97350). This variant is absent from the Genome Aggregation Database, indicating it is not a common polymorphism. Additionally, another variant at this codon (c.902T>C, p.Leu301Ser) has been reported in an individual with OTC deficiency and is considered disease causing (Caldovic 2015). The leucine at codon 301 is highly conserved, and computational analyses predict that this variant is deleterious (REVEL: 0.86). Based on available information, this variant is considered to be likely pathogenic. References: Caldovic L et al. Genotype-Phenotype Correlations in Ornithine Transcarbamylase Deficiency: A Mutation Update. J Genet Genomics. 2015 May 20;42(5):181-94. PMID: 26059767. Capistrano-Estrada S et al. Histopathological findings in a male with late-onset ornithine transcarbamylase deficiency. Pediatr Pathol. 1994 Mar-Apr;14(2):235-43. PMID: 8008687. Climent C et al. Identification of seven novel missense mutations, two splice-site mutations, two microdeletions and a polymorphic amino acid substitution in the gene for ornithine transcarbamylase (OTC) in patients with OTC deficiency. Hum Mutat. 2002 Feb;19(2):185-6. PMID: 11793483. Morel N et al. Diagnosis of ornithine transcarbamylase deficiency secondary to p.Leu301Phe mutation in an adult patient. Rev Neurol (Paris). 2012 Mar;168(3):296-7. PMID: 22340867.

GenMed Metabolism Lab
Classification: Pathogenic. Review status: no assertion criteria provided. Collection method: not provided. Allele origin: unknown. Not counted in ClinVar's aggregate classification.
Comment: p.Leu301Phe, Late
ClinVar note: Converted during submission from pathogenic to Pathogenic.

Literature cited by the submitters: PubMed 37146589 (cited by Clingen Urea Cycle Disorders Variant Curation Expert Panel, ClinGen and Ambry Genetics); PubMed 11793483 (cited by 3 submitters); PubMed 22340867 (cited by 3 submitters); PubMed 35949797 (cited by Ambry Genetics and Women's Health and Genetics/Laboratory Corporation of America, LabCorp); PubMed 39221296 (cited by Ambry Genetics); PubMed 28324312 (cited by Women's Health and Genetics/Laboratory Corporation of America, LabCorp); PubMed 34440436 (cited by Women's Health and Genetics/Laboratory Corporation of America, LabCorp); PubMed 26059767 (cited by Labcorp Genetics (formerly Invitae), Labcorp).

NM_000531.6(OTC):c.903A>T (p.Leu301Phe)

Gene: OTC (ornithine transcarbamylase; plus strand). Cytogenetic location: Xp11.4.
Variant type: single nucleotide variant.
Coding change: c.903A>T on transcript NM_000531.6 (MANE Select); coding-DNA position 903, A replaced by T.
Protein change: p.Leu301Phe; replaces leucine 301 with phenylalanine.
Molecular consequence: missense variant.
Genome position (GRCh38, 1-based): chrX:38,411,897, A>T. VCF-style: chrX-38411897-A-T. GRCh37 (hg19) VCF-style: chrX-38271150-A-T.
Other names: NM_000531.6(OTC):c.903A>T; short protein forms L301F.
Identifiers: ClinVar variation 97350 (VCV000097350.21), dbSNP rs72558462, ClinGen allele CA224823.